The following is an entry in ClinVar:

NM_022436.3(ABCG5):c.1910T>C (p.Leu637Pro)

Genes: ABCG5 (ATP binding cassette subfamily G member 5; minus strand), DYNC2LI1 (dynein cytoplasmic 2 light intermediate chain 1; plus strand). Cytogenetic location: 2p21.
Variant type: single nucleotide variant.
Coding change: c.1910T>C on transcript NM_022436.3 (MANE Select); coding-DNA position 1910, T replaced by C.
Protein change: p.Leu637Pro; replaces leucine 637 with proline.
Molecular consequence: missense variant. On other transcripts: intron variant (2).
Genome position (GRCh38, 1-based): chr2:43,813,162, A>G on the plus strand (T>C on the coding strand, the complement: ABCG5 is on the minus strand). VCF-style: chr2-43813162-A-G. GRCh37 (hg19) VCF-style: chr2-44040301-A-G.
Other names: c.*15+2638A>G (NM_001348913.2, NM_001348912.2); short protein forms L637P.
Identifiers: ClinVar variation 2577149 (VCV002577149.2), dbSNP rs745775861, ClinGen allele CA1636125.

ClinVar aggregate classification (germline): Uncertain significance. Review status: criteria provided, multiple submitters, no conflicts (2 of 4 stars). 2 submissions from 2 submitters: Uncertain significance (2). Last evaluated 2026-06-21.

Conditions:
Cardiovascular phenotype. Identifiers: MedGen CN230736.

Allele frequency attached by ClinVar (database versions not stated): gnomAD 0.00001; TOPMed below 0.00001; ExAC 0.00002.
gnomAD v4.1: 20 of 1,474,960 alleles (0.0014%); highest among the groups gnomAD compares: South Asian, 0.022%; no homozygotes.

Submissions (2):

Ambry Genetics
Classification: Uncertain significance for Cardiovascular phenotype. Last evaluated: 2026-06-21. Review status: criteria provided, single submitter. Criteria: Ambry Variant Classification Scheme 2023. Collection method: clinical testing. Allele origin: germline.
Comment: The p.L637P variant (also known as c.1910T>C), located in coding exon 13 of the ABCG5 gene, results from a T to C substitution at nucleotide position 1910. The leucine at codon 637 is replaced by proline, an amino acid with similar properties. This amino acid position is conserved. In addition, this alteration is predicted to be deleterious by in silico analysis. Based on the available evidence, the clinical significance of this variant remains unclear.

Women's Health and Genetics/Laboratory Corporation of America, LabCorp
Classification: Uncertain significance. Last evaluated: 2023-07-18. Review status: criteria provided, single submitter. Criteria: LabCorp Variant Classification Summary - May 2015. Collection method: clinical testing. Allele origin: germline.